The following is an entry in ClinVar:

ClinVar aggregate classification (germline): Pathogenic (1 of 4 stars; one submission).

Conditions:
Leber congenital amaurosis 6 (LCA6). Identifiers: Orphanet 65, MedGen C1854260, MONDO:0013446, OMIM 613826.

Allele frequency attached by ClinVar (database versions not stated): gnomAD exomes below 0.00001.
gnomAD v4.1: 5 of 1,497,254 alleles (0.00033%); highest among the groups gnomAD compares: Non-Finnish European, 0.00044%; no homozygotes.

Submission:

Broad Center for Mendelian Genomics, Broad Institute of MIT and Harvard
Classification: Pathogenic for Leber congenital amaurosis 6. Last evaluated: 2018-12-03. Review status: criteria provided, single submitter. Criteria: ACMG Guidelines, 2015. Collection method: research. Allele origin: germline. Inheritance: Autosomal recessive inheritance. Affected: yes.
Comment: The heterozygous c.3238+1G>A variant in RPGRIP1 was identified by our study, in the compound heterozygous state, along with another pathogenic variant, in two siblings with Leber congenital amaurosis (PMID: 30072743). The c.3238+1G>A variant in RPGRIP1 has not been previously reported in individuals with Leber congenital amaurosis and was absent from large population studies. This variant occurs in the invariant region (+/- 1/2) of the splice consensus sequence and is predicted to cause altered splicing leading to a frameshift and an abnormal or absent protein. Loss of function of the RPGRIP1 gene is an established disease mechanism in autosomal recessive Leber congenital amaurosis. The presence of this variant in combination with a reported pathogenic variant and in an individual with Leber congenital amaurosis increases the likelihood that the c.3238+1G>A variant is pathogenic. In summary, this variant meets criteria to be classified as pathogenic for Leber congenital amaurosis in an autosomal recessive manner based on the predicted impact of the variant and occurrence with pathogenic RPGRIP1 variant in an individual with Leber congenital amaurosis. ACMG/AMP Criteria applied: PM2, PVS1, PM3 (Richards 2015).

Literature cited by the submitters: PubMed 30072743.

NM_020366.4(RPGRIP1):c.3238+1G>A

Gene: RPGRIP1 (RPGR interacting protein 1; plus strand). Cytogenetic location: 14q11.2.
Variant type: single nucleotide variant.
Coding change: c.3238+1G>A on transcript NM_020366.4 (MANE Select); the canonical splice donor site of the intron after coding-DNA position 3238, G replaced by A.
Molecular consequence: splice donor variant.
Genome position (GRCh38, 1-based): chr14:21,330,388, G>A. VCF-style: chr14-21330388-G-A. GRCh37 (hg19) VCF-style: chr14-21798547-G-A.
Other names: c.2164+1G>A (NM_001377948.1); c.1324+1G>A (NM_001377949.1); c.1216+1G>A (NM_001377523.1); c.1213+1G>A (NM_001377950.1); c.718+1G>A (NM_001377951.1).
Identifiers: ClinVar variation 814008 (VCV000814008.1), dbSNP rs1325103400, ClinGen allele CA388872386.
Genomic context (GRCh38, chr14:21,330,388, plus strand): 5'-AGGAAATGACATTATCCCATTCAGCACTGAAACAGAAGGAACCTCTACATCCTGTAAATG[G>A]TATTGTCTTTTAAAATCTATTTTTTTTCCTAGCACTTTGGGAGGCCGAGGTGGGCAGATC-3'